The following is an entry in ClinVar:

NM_022089.4(ATP13A2):c.2539C>T (p.Gln847Ter)

Gene: ATP13A2 (ATPase cation transporting 13A2; minus strand). Cytogenetic location: 1p36.13.
Variant type: single nucleotide variant.
Coding change: c.2539C>T on transcript NM_022089.4 (MANE Select); coding-DNA position 2539, C replaced by T.
Protein change: p.Gln847Ter; replaces glutamine 847 with a stop codon.
Molecular consequence: nonsense.
Genome position (GRCh38, 1-based): chr1:16,989,761, G>A on the plus strand (C>T on the coding strand, the complement: ATP13A2 is on the minus strand). VCF-style: chr1-16989761-G-A. GRCh37 (hg19) VCF-style: chr1-17316256-G-A.
Other names: c.2524C>T, p.Gln842Ter (NM_001141973.3); c.2407C>T, p.Gln803Ter (NM_001141974.3); short protein forms Q803*, Q842*, Q847*.
Identifiers: ClinVar variation 3755807 (VCV003755807.2).

ClinVar aggregate classification (germline): Pathogenic (1 of 4 stars; one submission).

Conditions:
Autosomal recessive spastic paraplegia type 78. Identifiers: Orphanet 513436, MedGen C5567893, MONDO:0014975, OMIM 617225.
Kufor-Rakeb syndrome (KRS). Also called: PARKINSON DISEASE 9, AUTOSOMAL RECESSIVE, JUVENILE-ONSET. Identifiers: Orphanet 306674, Orphanet 314632, MedGen C1847640, MONDO:0011706, OMIM 606693.

Submission:

Labcorp Genetics (formerly Invitae), Labcorp
Classification: Pathogenic for Kufor-Rakeb syndrome; Autosomal recessive spastic paraplegia type 78. Last evaluated: 2024-04-16. Review status: criteria provided, single submitter. Criteria: Invitae Variant Classification Sherloc (09022015). Collection method: clinical testing. Allele origin: germline.
Comment: This sequence change creates a premature translational stop signal (p.Gln847*) in the ATP13A2 gene. It is expected to result in an absent or disrupted protein product. Loss-of-function variants in ATP13A2 are known to be pathogenic (PMID: 16964263, 21696388). This variant is not present in population databases (gnomAD no frequency). This variant has not been reported in the literature in individuals affected with ATP13A2-related conditions. For these reasons, this variant has been classified as Pathogenic.

Literature cited by the submitters: PubMed 16964263; PubMed 21696388.